The following is an entry in ClinVar:

NM_014850.4(SRGAP3):c.3077G>A (p.Arg1026His)

Gene: SRGAP3 (SLIT-ROBO Rho GTPase activating protein 3; minus strand). Cytogenetic location: 3p25.3.
Variant type: single nucleotide variant.
Coding change: c.3077G>A on transcript NM_014850.4 (MANE Select); coding-DNA position 3077, G replaced by A.
Protein change: p.Arg1026His; replaces arginine 1026 with histidine.
Molecular consequence: missense variant.
Genome position (GRCh38, 1-based): chr3:8,985,742, C>T on the plus strand (G>A on the coding strand, the complement: SRGAP3 is on the minus strand). VCF-style: chr3-8985742-C-T. GRCh37 (hg19) VCF-style: chr3-9027426-C-T.
Other names: c.3005G>A, p.Arg1002His (NM_001033117.3); short protein forms R1002H, R1026H.
Identifiers: ClinVar variation 930697 (VCV000930697.3), dbSNP rs1488419249, ClinGen allele CA351669611.

ClinVar aggregate classification (germline): Uncertain significance (1 of 4 stars; one submission).

gnomAD v4.1: 1 of 1,597,574 alleles (0.000063%); highest among the groups gnomAD compares: Non-Finnish European, 0.000085%; no homozygotes.

Submission:

Centre for Mendelian Genomics, University Medical Centre Ljubljana
Classification: Uncertain significance. Last evaluated: 2019-12-04. Review status: criteria provided, single submitter. Criteria: ACMG Guidelines, 2015. Collection method: clinical testing. Allele origin: unknown. Affected: yes.
Comment: This variant was classified as: Uncertain significance. The available evidence on this variant's pathogenicity is insufficient or conflicting. The following ACMG criteria were applied in classifying this variant: PM2,PP3.